The following is an entry in ClinVar:

ClinVar aggregate classification (germline): Uncertain significance (1 of 4 stars; one submission).

Conditions:
Primary immunodeficiency with post-measles-mumps-rubella vaccine viral infection. Also called: Immunodeficiency 44. Identifiers: Orphanet 431166, MedGen C4225260, MONDO:0014715, OMIM 616636.

Allele frequency attached by ClinVar (database versions not stated): gnomAD exomes below 0.00001; gnomAD 0.00001; TOPMed 0.00002.
gnomAD v4.1: 2 of 1,613,928 alleles (0.00012%); highest among the groups gnomAD compares: African/African-American, 0.0013%; no homozygotes.

Submission:

Labcorp Genetics (formerly Invitae), Labcorp
Classification: Uncertain significance for Primary immunodeficiency with post-measles-mumps-rubella vaccine viral infection. Last evaluated: 2021-06-02. Review status: criteria provided, single submitter. Criteria: Invitae Variant Classification Sherloc (09022015). Collection method: clinical testing. Allele origin: germline.
Comment: This variant has not been reported in the literature in individuals with STAT2-related conditions. This variant is not present in population databases (ExAC no frequency). This sequence change replaces methionine with leucine at codon 324 of the STAT2 protein (p.Met324Leu). The methionine residue is highly conserved and there is a small physicochemical difference between methionine and leucine. Advanced modeling of protein sequence and biophysical properties (such as structural, functional, and spatial information, amino acid conservation, physicochemical variation, residue mobility, and thermodynamic stability) performed at Invitae indicates that this missense variant is expected to disrupt STAT2 protein function. In summary, the available evidence is currently insufficient to determine the role of this variant in disease. Therefore, it has been classified as a Variant of Uncertain Significance.

NM_005419.4(STAT2):c.970A>C (p.Met324Leu)

Gene: STAT2 (signal transducer and activator of transcription 2; minus strand). Cytogenetic location: 12q13.3.
Variant type: single nucleotide variant.
Coding change: c.970A>C on transcript NM_005419.4 (MANE Select); coding-DNA position 970, A replaced by C.
Protein change: p.Met324Leu; replaces methionine 324 with leucine.
Molecular consequence: missense variant.
Genome position (GRCh38, 1-based): chr12:56,351,162, T>G on the plus strand (A>C on the coding strand, the complement: STAT2 is on the minus strand). VCF-style: chr12-56351162-T-G. GRCh37 (hg19) VCF-style: chr12-56744946-T-G.
Other names: c.958A>C, p.Met320Leu (NM_001385110.1, NM_001385115.1, NM_198332.2); c.970A>C, p.Met324Leu (NM_001385111.1, NM_001385113.1, NM_001385114.1); short protein forms M324L, M320L.
Identifiers: ClinVar variation 1034502 (VCV001034502.8), dbSNP rs1259353788, ClinGen allele CA385262099.
Genomic context (GRCh38, chr12:56,351,162, plus strand): 5'-TTCGGACGGTGAACTTGCTGCCAGTCTTGAGGATGAGGGGTCGATGGGGAGTTTGGGGCA[T>G]GCAGGGCTGGGTTTCTACCACAAAGGCTCTGAGGAGAGAGAGGTGTGGAGAGAATATATA-3'
Protein context (NP_005410.1, residues 314-334): RAFVVETQPC[Met324Leu]PQTPHRPLIL